The following is an entry in ClinVar:

NC_000001.11:g.170532159C>T

Genes: GORAB (golgin, RAB6 interacting; plus strand), GORAB-AS1 (GORAB antisense RNA 1; minus strand). Cytogenetic location: 1q24.2.
Variant type: single nucleotide variant.
Genome position: GRCh38 VCF-style: chr1-170532159-C-T. GRCh37 (hg19) VCF-style: chr1-170501300-C-T.
Identifiers: ClinVar variation 2191413 (VCV002191413.1), dbSNP rs764476862, ClinGen allele CA32463879.

ClinVar aggregate classification (germline): Uncertain significance (1 of 4 stars; one submission).

Submission:

Labcorp Genetics (formerly Invitae), Labcorp
Classification: Uncertain significance. Last evaluated: 2022-08-19. Review status: criteria provided, single submitter. Criteria: Invitae Variant Classification Sherloc (09022015). Collection method: clinical testing. Allele origin: germline.
Comment: This sequence change replaces alanine, which is neutral and non-polar, with valine, which is neutral and non-polar, at codon 4 of the GORAB protein (p.Ala4Val). This variant is present in population databases (no rsID available, gnomAD 0.006%). This variant has not been reported in the literature in individuals affected with GORAB-related conditions. Algorithms developed to predict the effect of missense changes on protein structure and function output the following: SIFT: "Tolerated"; PolyPhen-2: "Benign"; Align-GVGD: "Class C0". The valine amino acid residue is found in multiple mammalian species, which suggests that this missense change does not adversely affect protein function. In summary, the available evidence is currently insufficient to determine the role of this variant in disease. Therefore, it has been classified as a Variant of Uncertain Significance.